The following is an entry in ClinVar:

NM_006514.4(SCN10A):c.52C>T (p.Pro18Ser)

Gene: SCN10A (sodium voltage-gated channel alpha subunit 10; minus strand). Cytogenetic location: 3p22.2.
Variant type: single nucleotide variant.
Coding change: c.52C>T on transcript NM_006514.4 (MANE Select); coding-DNA position 52, C replaced by T.
Protein change: p.Pro18Ser; replaces proline 18 with serine.
Molecular consequence: missense variant.
Genome position (GRCh38, 1-based): chr3:38,793,959, G>A on the plus strand (C>T on the coding strand, the complement: SCN10A is on the minus strand). VCF-style: chr3-38793959-G-A. GRCh37 (hg19) VCF-style: chr3-38835450-G-A.
Other names: c.52C>T, p.Pro18Ser (NM_001293306.2, NM_001293307.2); short protein forms P18S.
Identifiers: ClinVar variation 2167234 (VCV002167234.4), dbSNP rs1322802155, ClinGen allele CA352163382.

ClinVar aggregate classification (germline): Uncertain significance (1 of 4 stars; one submission).

Conditions:
Brugada syndrome. Also called: Sudden unexplained nocturnal death syndrome; Sudden unexpected nocturnal death syndrome; Sudden Unexplained Death Syndrome; Sudden Unexplained Nocturnal Death Syndrome (SUNDS). Identifiers: Orphanet 130, MedGen C1142166, MONDO:0015263.

Allele frequency attached by ClinVar (database versions not stated): gnomAD exomes below 0.00001.
gnomAD v4.1: 2 of 1,614,006 alleles (0.00012%); highest among the groups gnomAD compares: Admixed American, 0.0033%; no homozygotes.

Submission:

Labcorp Genetics (formerly Invitae), Labcorp
Classification: Uncertain significance for Brugada syndrome. Last evaluated: 2022-05-14. Review status: criteria provided, single submitter. Criteria: Invitae Variant Classification Sherloc (09022015). Collection method: clinical testing. Allele origin: germline.
Comment: This sequence change replaces proline, which is neutral and non-polar, with serine, which is neutral and polar, at codon 18 of the SCN10A protein (p.Pro18Ser). In summary, the available evidence is currently insufficient to determine the role of this variant in disease. Therefore, it has been classified as a Variant of Uncertain Significance. Advanced modeling of protein sequence and biophysical properties (such as structural, functional, and spatial information, amino acid conservation, physicochemical variation, residue mobility, and thermodynamic stability) performed at Invitae indicates that this missense variant is not expected to disrupt SCN10A protein function. This variant has not been reported in the literature in individuals affected with SCN10A-related conditions. This variant is present in population databases (no rsID available, gnomAD 0.006%).